The following is an entry in ClinVar:

NM_020774.4(MIB1):c.2802A>G (p.Leu934=)

Gene: MIB1 (MIB E3 ubiquitin protein ligase 1; plus strand). Cytogenetic location: 18q11.2.
Variant type: single nucleotide variant.
Coding change: c.2802A>G on transcript NM_020774.4 (MANE Select); coding-DNA position 2802, A replaced by G.
Protein change: p.Leu934=; no amino-acid change (leucine 934 retained).
Molecular consequence: synonymous variant.
Genome position (GRCh38, 1-based): chr18:21,858,568, A>G. VCF-style: chr18-21858568-A-G. GRCh37 (hg19) VCF-style: chr18-19438529-A-G.
Identifiers: ClinVar variation 518075 (VCV000518075.3), dbSNP rs754841638, ClinGen allele CA8908714.

ClinVar aggregate classification (germline): Likely benign. Review status: criteria provided, multiple submitters, no conflicts (2 of 4 stars). 2 submissions from 2 submitters: Likely benign (2). Last evaluated 2021-09-10.

Conditions:
Inborn genetic diseases. Identifiers: MedGen C0950123, MeSH D030342.

Allele frequency attached by ClinVar (database versions not stated): gnomAD exomes below 0.00001 and 0.00001; ExAC 0.00001.
gnomAD v4.1: 9 of 1,580,520 alleles (0.00057%); highest among the groups gnomAD compares: Non-Finnish European, 0.00078%; no homozygotes.

Submissions (2):

Ambry Genetics
Classification: Likely benign for Inborn genetic diseases. Last evaluated: 2021-09-10. Review status: criteria provided, single submitter. Criteria: Ambry Variant Classification Scheme 2023. Collection method: clinical testing. Allele origin: germline.

GeneDx
Classification: Likely benign. Last evaluated: 2017-06-20. Review status: criteria provided, single submitter. Criteria: GeneDx Variant Classification (06012015). Collection method: clinical testing. Allele origin: germline. Affected: yes.
Comment: This variant is considered likely benign or benign based on one or more of the following criteria: it is a conservative change, it occurs at a poorly conserved position in the protein, it is predicted to be benign by multiple in silico algorithms, and/or has population frequency not consistent with disease.